The following is an entry in ClinVar:

NM_012330.4(KAT6B):c.2709G>A (p.Leu903=)

Gene: KAT6B (lysine acetyltransferase 6B; plus strand). Cytogenetic location: 10q22.2.
Variant type: single nucleotide variant.
Coding change: c.2709G>A on transcript NM_012330.4 (MANE Select); coding-DNA position 2709, G replaced by A.
Protein change: p.Leu903=; no amino-acid change (leucine 903 retained).
Molecular consequence: synonymous variant.
Genome position (GRCh38, 1-based): chr10:75,020,661, G>A. VCF-style: chr10-75020661-G-A. GRCh37 (hg19) VCF-style: chr10-76780419-G-A.
Other names: c.2160G>A, p.Leu720= (NM_001256468.2, NM_001370138.1); c.1833G>A, p.Leu611= (NM_001256469.2, NM_001370139.1, NM_001370140.1 and 2 more transcripts); c.1671G>A, p.Leu557= (NM_001370132.1); c.1020G>A, p.Leu340= (NM_001370133.1); c.624G>A, p.Leu208= (NM_001370134.1); c.366G>A, p.Leu122= (NM_001370135.1); c.2709G>A, p.Leu903= (NM_001370136.1, NM_001370137.1); c.1644G>A, p.Leu548= (NM_001370143.1, NM_001370144.1).
Identifiers: ClinVar variation 1305478 (VCV001305478.2), dbSNP rs2134153691, ClinGen allele CA470175793.

ClinVar aggregate classification (germline): Uncertain significance (1 of 4 stars; one submission).

Allele frequency attached by ClinVar (database versions not stated): gnomAD exomes below 0.00001.
gnomAD v4.1: 7 of 1,614,188 alleles (0.00043%); highest among the groups gnomAD compares: Non-Finnish European, 0.00059%; no homozygotes.

Submission:

GeneDx
Classification: Uncertain significance. Last evaluated: 2019-04-26. Review status: criteria provided, single submitter. Criteria: GeneDx Variant Classification Process June 2021. Collection method: clinical testing. Allele origin: germline. Affected: yes.
Comment: Not observed in large population cohorts (Lek et al., 2016); In silico analysis, which includes splice predictors and evolutionary conservation, supports a deleterious effect; Has not been previously published as pathogenic or benign to our knowledge